The following is an entry in ClinVar:

NM_181507.2(HPS5):c.2182G>A (p.Ala728Thr)

Gene: HPS5 (HPS5 biogenesis of lysosomal organelles complex 2 subunit 2; minus strand). Cytogenetic location: 11p15.1.
Variant type: single nucleotide variant.
Coding change: c.2182G>A on transcript NM_181507.2 (MANE Select); coding-DNA position 2182, G replaced by A.
Protein change: p.Ala728Thr; replaces alanine 728 with threonine.
Molecular consequence: missense variant.
Genome position (GRCh38, 1-based): chr11:18,291,700, C>T on the plus strand (G>A on the coding strand, the complement: HPS5 is on the minus strand). VCF-style: chr11-18291700-C-T. GRCh37 (hg19) VCF-style: chr11-18313247-C-T.
Other names: c.1840G>A, p.Ala614Thr (NM_007216.4, NM_181508.2); short protein forms A614T, A728T.
Identifiers: ClinVar variation 1558625 (VCV001558625.13), dbSNP rs150487992, ClinGen allele CA5909907.

ClinVar aggregate classification (germline): Likely benign. Review status: criteria provided, multiple submitters, no conflicts (2 of 4 stars). 5 submissions from 5 submitters: Likely benign (4). 1 of the submissions does not count toward it. Last evaluated 2026-01-28.

Conditions:
Inborn genetic diseases. Identifiers: MedGen C0950123, MeSH D030342.
HPS5-related disorder. Also called: HPS5-related condition.

Allele frequency attached by ClinVar (database versions not stated): ExAC 0.00024; gnomAD 0.00052 and 0.00053; TOPMed 0.00056; 1000 Genomes Project 30x 0.00062; 1000 Genomes Project 0.00080; ESP Exome Variant Server 0.00108; gnomAD exomes 0.00007 and 0.00020.
gnomAD v4.1: 188 of 1,614,162 alleles (0.012%); highest among the groups gnomAD compares: African/African-American, 0.16%; 1 homozygote.

Submissions (5):

Labcorp Genetics (formerly Invitae), Labcorp
Classification: Likely benign. Last evaluated: 2026-01-28. Review status: criteria provided, single submitter. Criteria: Invitae Variant Classification Sherloc (09022015). Collection method: clinical testing. Allele origin: germline.

Women's Health and Genetics/Laboratory Corporation of America, LabCorp
Classification: Likely benign. Last evaluated: 2024-05-15. Review status: criteria provided, single submitter. Criteria: LabCorp Variant Classification Summary - May 2015. Collection method: clinical testing. Allele origin: germline.
Comment: Variant summary: HPS5 c.2182G>A (p.Ala728Thr) results in a non-conservative amino acid change in the encoded protein sequence. Four of five in-silico tools predict a benign effect of the variant on protein function. The variant allele was found at a frequency of 0.0002 in 251320 control chromosomes, predominantly at a frequency of 0.0015 within the African or African-American subpopulation in the gnomAD database. The observed variant frequency within African or African-American control individuals in the gnomAD database is approximately 3.16 fold of the estimated maximal expected allele frequency for a pathogenic variant in HPS5 causing Hermansky-Pudlak Syndrome phenotype (0.00047), strongly suggesting that the variant is a benign polymorphism found primarily in populations of African or African-American origin. To our knowledge, no occurrence of c.2182G>A in individuals affected with Hermansky-Pudlak Syndrome and no experimental evidence demonstrating its impact on protein function have been reported. ClinVar contains an entry for this variant (Variation ID: 1558625). Based on the evidence outlined above, the variant was classified as likely benign.

Ambry Genetics
Classification: Likely benign for Inborn genetic diseases. Last evaluated: 2024-02-17. Review status: criteria provided, single submitter. Criteria: Ambry Variant Classification Scheme 2023. Collection method: clinical testing. Allele origin: germline.

Breakthrough Genomics
Classification: Likely benign. Review status: criteria provided, single submitter. Criteria: ACMG Guidelines, 2015. Collection method: not provided. Allele origin: germline. Inheritance: Autosomal recessive inheritance. Affected: yes.

PreventionGenetics, part of Exact Sciences
Classification: Likely benign for HPS5-related condition. Last evaluated: 2022-03-15. Review status: no assertion criteria provided. Collection method: clinical testing. Allele origin: germline. Not counted in ClinVar's aggregate classification.
Comment: This variant is classified as likely benign based on ACMG/AMP sequence variant interpretation guidelines (Richards et al. 2015 PMID: 25741868, with internal and published modifications).